The following is an entry in ClinVar:

NM_001378454.1(ALMS1):c.4039del (p.Val1347fs)

Gene: ALMS1 (ALMS1 centrosome and basal body associated protein; plus strand). Cytogenetic location: 2p13.1.
Variant type: Deletion.
Coding change: c.4039del on transcript NM_001378454.1 (MANE Select); coding-DNA position 4039, one base deleted (G; older notation c.4039delG).
Protein change: p.Val1347fs; shifts the reading frame from valine 1347.
Molecular consequence: frameshift variant.
Genome position (GRCh38, 1-based): chr2:73,450,566, G deleted; the last of 2 consecutive G bases (chr2:73,450,565-73,450,566); deleting either gives the same sequence. VCF-style (leftmost placement, unchanged base first): chr2-73450564-AG-A. GRCh37 (hg19) VCF-style: chr2-73677691-AG-A.
Other names: c.4042del, p.Val1348fs (NM_015120.4); short protein forms V1347fs, V1348fs.
Identifiers: ClinVar variation 1372450 (VCV001372450.6), dbSNP rs2103781095, ClinGen allele CA2573135775.

ClinVar aggregate classification (germline): Pathogenic (1 of 4 stars; one submission).

Conditions:
Alstrom syndrome (ALMS). Identifiers: Orphanet 64, MedGen C0268425, MONDO:0008763, OMIM 203800.

Submission:

Labcorp Genetics (formerly Invitae), Labcorp
Classification: Pathogenic for Alstrom syndrome. Last evaluated: 2021-10-18. Review status: criteria provided, single submitter. Criteria: Invitae Variant Classification Sherloc (09022015). Collection method: clinical testing. Allele origin: germline.
Comment: For these reasons, this variant has been classified as Pathogenic. This variant has not been reported in the literature in individuals affected with ALMS1-related conditions. This variant is not present in population databases (ExAC no frequency). This sequence change creates a premature translational stop signal (p.Val1348Serfs*12) in the ALMS1 gene. It is expected to result in an absent or disrupted protein product. Loss-of-function variants in ALMS1 are known to be pathogenic (PMID: 17594715).

Literature cited by the submitters: PubMed 17594715.